The following is an entry in ClinVar:

ClinVar aggregate classification (germline): Uncertain significance (1 of 4 stars; one submission).

Conditions:
Menkes kinky-hair syndrome (MNK). Also called: Copper transport disease; Menkes Disease; Classic Menkes Disease. Identifiers: Orphanet 565, MedGen C0022716, MONDO:0010651, OMIM 309400.
X-linked distal spinal muscular atrophy type 3. Also called: ATP7A-Related Distal Motor Neuropathy; SPINAL MUSCULAR ATROPHY, DISTAL, X-LINKED RECESSIVE; NEURONOPATHY, DISTAL HEREDITARY MOTOR, X-LINKED; NEUROPATHY, DISTAL HEREDITARY MOTOR, X-LINKED. Identifiers: Orphanet 139557, MedGen C1845359, MONDO:0010338, OMIM 300489.
Cutis laxa, X-linked (OHS). Also called: EDS IX; Occipital horn syndrome. Identifiers: Orphanet 198, MedGen C0268353, MONDO:0010572, OMIM 304150.

Submission:

Labcorp Genetics (formerly Invitae), Labcorp
Classification: Uncertain significance for X-linked distal spinal muscular atrophy type 3; Cutis laxa, X-linked; Menkes kinky-hair syndrome. Last evaluated: 2024-10-22. Review status: criteria provided, single submitter. Criteria: Invitae Variant Classification Sherloc (09022015). Collection method: clinical testing. Allele origin: germline.
Comment: This sequence change replaces glycine, which is neutral and non-polar, with aspartic acid, which is acidic and polar, at codon 1224 of the ATP7A protein (p.Gly1224Asp). This variant is not present in population databases (gnomAD no frequency). This variant has not been reported in the literature in individuals affected with ATP7A-related conditions. Invitae Evidence Modeling of protein sequence and biophysical properties (such as structural, functional, and spatial information, amino acid conservation, physicochemical variation, residue mobility, and thermodynamic stability) has been performed for this missense variant. However, the output from this modeling did not meet the statistical confidence thresholds required to predict the impact of this variant on ATP7A protein function. In summary, the available evidence is currently insufficient to determine the role of this variant in disease. Therefore, it has been classified as a Variant of Uncertain Significance.

NM_000052.7(ATP7A):c.3671G>A (p.Gly1224Asp)

Gene: ATP7A (ATPase copper transporting alpha; plus strand). Cytogenetic location: Xq21.1.
Variant type: single nucleotide variant.
Coding change: c.3671G>A on transcript NM_000052.7 (MANE Select); coding-DNA position 3671, G replaced by A.
Protein change: p.Gly1224Asp; replaces glycine 1224 with aspartic acid.
Molecular consequence: missense variant. On other transcripts: non-coding transcript variant (1).
Genome position (GRCh38, 1-based): chrX:78,040,603, G>A. VCF-style: chrX-78040603-G-A. GRCh37 (hg19) VCF-style: chrX-77296101-G-A.
Other names: c.3437G>A, p.Gly1146Asp (NM_001282224.2); short protein forms G1146D, G1224D.
Identifiers: ClinVar variation 3753816 (VCV003753816.2).